The following is an entry in ClinVar:

ClinVar aggregate classification (germline): Uncertain significance (1 of 4 stars; one submission).

Conditions:
Epidermodysplasia verruciformis. Identifiers: Orphanet 302, MedGen C0014522, MONDO:0009176.

Submission:

Labcorp Genetics (formerly Invitae), Labcorp
Classification: Uncertain significance for Epidermodysplasia verruciformis. Last evaluated: 2025-08-20. Review status: criteria provided, single submitter. Criteria: Invitae Variant Classification Sherloc (09022015). Collection method: clinical testing. Allele origin: germline.
Comment: This sequence change replaces cysteine, which is neutral and slightly polar, with arginine, which is basic and polar, at codon 328 of the TMC6 protein (p.Cys328Arg). This variant is not present in population databases (gnomAD no frequency). This variant has not been reported in the literature in individuals affected with TMC6-related conditions. ClinVar contains an entry for this variant (Variation ID: 3718801). An algorithm developed to predict the effect of missense changes on protein structure and function (PolyPhen-2) suggests that this variant is likely to be disruptive. In summary, the available evidence is currently insufficient to determine the role of this variant in disease. Therefore, it has been classified as a Variant of Uncertain Significance.

NM_001127198.5(TMC6):c.982T>C (p.Cys328Arg)

Gene: TMC6 (transmembrane channel like 6; minus strand). Cytogenetic location: 17q25.3.
Variant type: single nucleotide variant.
Coding change: c.982T>C on transcript NM_001127198.5 (MANE Select); coding-DNA position 982, T replaced by C.
Protein change: p.Cys328Arg; replaces cysteine 328 with arginine.
Molecular consequence: missense variant. On other transcripts: non-coding transcript variant (4).
Genome position (GRCh38, 1-based): chr17:78,124,089, A>G on the plus strand (T>C on the coding strand, the complement: TMC6 is on the minus strand). VCF-style: chr17-78124089-A-G. GRCh37 (hg19) VCF-style: chr17-76120170-A-G.
Other names: c.982T>C, p.Cys328Arg (NM_001375353.1, NM_001375354.1, NM_007267.7 and 4 more transcripts); short protein forms C328R.
Identifiers: ClinVar variation 3718801 (VCV003718801.2).